The following is an entry in ClinVar:

ClinVar aggregate classification (germline): Likely pathogenic (1 of 4 stars; one submission).

Conditions:
Retinal disorder. Also called: Retinopathy; Retinopathies; Retinal Diseases; Retinal disorders. Identifiers: MedGen C0035309, MONDO:0005283, HP:0000488.

Submission:

North West Genomic Laboratory Hub, Manchester University NHS Foundation Trust
Classification: Likely pathogenic for Retinal disorders. Last evaluated: 2026-10-12. Review status: criteria provided, single submitter. Criteria: ACGS Best Practice Guidelines for Variant Classification in Rare Disease 2024. Collection method: clinical testing. Allele origin: germline. Affected: yes.
Comment: PS4_Mod PP3_Supp PM1_Mod PS2_Supp PM2_Mod

NM_001368894.2(PAX6):c.77G>C (p.Arg26Pro)

Gene: PAX6 (paired box 6; minus strand). Cytogenetic location: 11p13.
Variant type: single nucleotide variant.
Coding change: c.77G>C on transcript NM_001368894.2 (MANE Select); coding-DNA position 77, G replaced by C.
Protein change: p.Arg26Pro; replaces arginine 26 with proline.
Molecular consequence: missense variant. On other transcripts: 5 prime UTR variant (12), non-coding transcript variant (2), intron variant (2).
Genome position (GRCh38, 1-based): chr11:31,802,768, C>G on the plus strand (G>C on the coding strand, the complement: PAX6 is on the minus strand). VCF-style: chr11-31802768-C-G. GRCh37 (hg19) VCF-style: chr11-31824316-C-G.
Other names: c.77G>C, p.Arg26Pro (NM_001368927.2, NM_001368928.2, NM_001604.6 and 30 more transcripts); c.-374G>C (NM_001368929.2, NM_001310161.3, NM_001368900.2 and 2 more transcripts); c.-267-992G>C (NM_001368909.2, NM_001368904.2); c.-705G>C (NM_001310160.2, NM_001368905.2); c.-332G>C (NM_001368899.2, NM_001368901.2, NM_001368906.2 and 1 more transcripts); c.-663G>C (NM_001368902.2); c.320G>C, p.Arg107Pro (NM_001368910.2); c.80G>C, p.Arg27Pro (NM_001368911.2); short protein forms R107P, R26P, R27P.
Identifiers: ClinVar variation 5021447 (VCV005021447.1).